The following is an entry in ClinVar:

NM_001035.3(RYR2):c.12602A>G (p.Gln4201Arg)

Genes: RYR2 (ryanodine receptor 2; plus strand), LOC126806068 (BRD4-independent group 4 enhancer GRCh37_chr1:237947411-237948610; plus strand). Cytogenetic location: 1q43.
Variant type: single nucleotide variant.
Coding change: c.12602A>G on transcript NM_001035.3 (MANE Select); coding-DNA position 12602, A replaced by G.
Protein change: p.Gln4201Arg; replaces glutamine 4201 with arginine.
Molecular consequence: missense variant.
Genome position (GRCh38, 1-based): chr1:237,784,314, A>G. VCF-style: chr1-237784314-A-G. GRCh37 (hg19) VCF-style: chr1-237947614-A-G.
Other names: c.12602A>G, p.Gln4201Arg (LRG_402t1); short protein forms Q4201R.
Identifiers: ClinVar variation 12962 (VCV000012962.18), dbSNP rs121918605, ClinGen allele CA007638.

ClinVar aggregate classification (germline): Pathogenic/Likely pathogenic. Review status: criteria provided, multiple submitters, no conflicts (2 of 4 stars). 4 submissions from 4 submitters: Pathogenic (1); Likely pathogenic (1). 2 of the submissions do not count toward it. Last evaluated 2023-07-17.

Conditions:
RYR2-related disorder. Also called: RYR2-related condition.
Catecholaminergic polymorphic ventricular tachycardia 1. Also called: RYR2-Related Catecholaminergic Polymorphic Ventricular Tachycardia; VENTRICULAR TACHYCARDIA, STRESS-INDUCED POLYMORPHIC 1; VENTRICULAR TACHYCARDIA, CATECHOLAMINERGIC POLYMORPHIC, 1, WITH OR WITHOUT ATRIAL DYSFUNCTION AND/OR DILATED CARDIOMYOPATHY. Identifiers: Orphanet 3286, MedGen C1631597, MONDO:0011484, OMIM 604772.

Submissions (4):

Blueprint Genetics
Classification: Likely pathogenic for RYR2-related disorders. Last evaluated: 2023-07-17. Review status: criteria provided, single submitter. Criteria: ACMG Guidelines, 2015. Collection method: clinical testing. Allele origin: germline. Affected: yes. Observed: 1 variant allele.

Labcorp Genetics (formerly Invitae), Labcorp
Classification: Pathogenic for Catecholaminergic polymorphic ventricular tachycardia 1. Last evaluated: 2019-11-18. Review status: criteria provided, single submitter. Criteria: Invitae Variant Classification Sherloc (09022015). Collection method: clinical testing. Allele origin: germline.
Comment: This variant has been reported to affect RYR2 protein function (PMID: 16239587, 15197150, 18092949). In at least one individual the variant was observed to be de novo. ClinVar contains an entry for this variant (Variation ID: 12962). This variant is not present in population databases (ExAC no frequency). This sequence change replaces glutamine with arginine at codon 4201 of the RYR2 protein (p.Gln4201Arg). The glutamine residue is highly conserved and there is a small physicochemical difference between glutamine and arginine. For these reasons, this variant has been classified as Pathogenic.

OMIM
Classification: Pathogenic for VENTRICULAR TACHYCARDIA, CATECHOLAMINERGIC POLYMORPHIC, 1. Last evaluated: 2004-06-29. Review status: no assertion criteria provided. Collection method: literature only. Allele origin: germline. Not counted in ClinVar's aggregate classification.

GeneReviews
No classification provided. Condition: Catecholaminergic polymorphic ventricular tachycardia 1. Review status: no classification provided. Collection method: literature only. Allele origin: unknown. Not counted in ClinVar's aggregate classification.

Literature cited by the submitters: PubMed 16239587 (cited by Labcorp Genetics (formerly Invitae), Labcorp); PubMed 15197150 (cited by Labcorp Genetics (formerly Invitae), Labcorp and OMIM); PubMed 18092949 (cited by Labcorp Genetics (formerly Invitae), Labcorp); PubMed 11157710 (cited by Labcorp Genetics (formerly Invitae), Labcorp and OMIM); PubMed 21454795 (cited by GeneReviews); PubMed 20301466 (cited by GeneReviews); NCBI Bookshelf NBK1289 (cited by GeneReviews).